The following is an entry in ClinVar:

ClinVar aggregate classification (germline): Conflicting classifications of pathogenicity. Review status: criteria provided, conflicting classifications (1 of 4 stars). 2 submissions from 2 submitters: Uncertain significance (1); Likely benign (1). Last evaluated 2022-09-22.

Allele frequency attached by ClinVar (database versions not stated): gnomAD 0.00001.
gnomAD v4.1: 35 of 1,613,404 alleles (0.0022%); highest among the groups gnomAD compares: Admixed American, 0.047%; 1 homozygote.

Submissions (2):

Labcorp Genetics (formerly Invitae), Labcorp
Classification: Uncertain significance. Last evaluated: 2022-09-22. Review status: criteria provided, single submitter. Criteria: Invitae Variant Classification Sherloc (09022015). Collection method: clinical testing. Allele origin: germline.
Comment: This variant is present in population databases (rs772201593, gnomAD 0.06%), and has an allele count higher than expected for a pathogenic variant. In summary, the available evidence is currently insufficient to determine the role of this variant in disease. Therefore, it has been classified as a Variant of Uncertain Significance. Algorithms developed to predict the effect of missense changes on protein structure and function are either unavailable or do not agree on the potential impact of this missense change (SIFT: "Tolerated"; PolyPhen-2: "Not Available"; Align-GVGD: "Class C0"). This variant has not been reported in the literature in individuals affected with FMN1-related conditions. This sequence change replaces arginine, which is basic and polar, with histidine, which is basic and polar, at codon 229 of the FMN1 protein (p.Arg229His).

Ambry Genetics
Classification: Likely benign. Last evaluated: 2022-07-12. Review status: criteria provided, single submitter. Criteria: Ambry Variant Classification Scheme 2023. Collection method: clinical testing. Allele origin: germline.

NM_001277313.2(FMN1):c.2044-2125G>A

Gene: FMN1 (formin 1; minus strand). Cytogenetic location: 15q13.3.
Variant type: single nucleotide variant.
Coding change: c.2044-2125G>A on transcript NM_001277313.2 (MANE Select); 2125 bases into the intron before coding-DNA position 2044, G replaced by A.
Molecular consequence: intron variant. On other transcripts: missense variant (1).
Genome position (GRCh38, 1-based): chr15:33,067,199, C>T on the plus strand (G>A on the coding strand, the complement: FMN1 is on the minus strand). VCF-style: chr15-33067199-C-T. GRCh37 (hg19) VCF-style: chr15-33359400-C-T.
Other names: c.686G>A, p.Arg229His (NM_001103184.4); short protein forms R229H.
Identifiers: ClinVar variation 2068853 (VCV002068853.5), dbSNP rs772201593, ClinGen allele CA7457292.